The following is an entry in ClinVar:

ClinVar aggregate classification (germline): Benign/Likely benign. Review status: criteria provided, multiple submitters, no conflicts (2 of 4 stars). 3 submissions from 3 submitters: Benign (2); Likely benign (1). Last evaluated 2024-05-01.

Allele frequency attached by ClinVar (database versions not stated): 1000 Genomes Project 0.00160; 1000 Genomes Project 30x 0.00172; gnomAD 0.00366 and 0.00381; gnomAD exomes 0.00378 and 0.00528; TOPMed 0.00405; ExAC 0.00406; ESP Exome Variant Server 0.00431.
gnomAD v4.1: 8,220 of 1,614,212 alleles (0.51%); highest among the groups gnomAD compares: Non-Finnish European, 0.62%; 21 homozygotes.

Submissions (3):

CeGaT Center for Human Genetics Tuebingen
Classification: Likely benign. Last evaluated: 2024-05-01. Review status: criteria provided, single submitter. Criteria: CeGaT Center For Human Genetics Tuebingen Variant Classification Criteria Version 2. Collection method: clinical testing. Allele origin: germline. Affected: yes. Observed: 2 variant alleles.
Comment: VANGL2: BP4, BP7, BS2

Labcorp Genetics (formerly Invitae), Labcorp
Classification: Benign. Last evaluated: 2019-12-31. Review status: criteria provided, single submitter. Criteria: Invitae Variant Classification Sherloc (09022015). Collection method: clinical testing. Allele origin: germline.

Breakthrough Genomics
Classification: Benign. Review status: criteria provided, single submitter. Criteria: ACMG Guidelines, 2015. Collection method: not provided. Allele origin: germline. Inheritance: Autosomal dominant inheritance. Affected: yes.

NM_020335.3(VANGL2):c.1242C>T (p.Tyr414=)

Gene: VANGL2 (VANGL planar cell polarity protein 2; plus strand). Cytogenetic location: 1q23.2.
Variant type: single nucleotide variant.
Coding change: c.1242C>T on transcript NM_020335.3 (MANE Select); coding-DNA position 1242, C replaced by T.
Protein change: p.Tyr414=; no amino-acid change (tyrosine 414 retained).
Molecular consequence: synonymous variant.
Genome position (GRCh38, 1-based): chr1:160,424,220, C>T. VCF-style: chr1-160424220-C-T. GRCh37 (hg19) VCF-style: chr1-160394010-C-T.
Identifiers: ClinVar variation 782912 (VCV000782912.29), dbSNP rs140848403, ClinGen allele CA1199636.